The following is an entry in ClinVar:

ClinVar aggregate classification (germline): Uncertain significance. Review status: criteria provided, multiple submitters, no conflicts (2 of 4 stars). 3 submissions from 3 submitters: Uncertain significance (3). Last evaluated 2024-08-27.

Conditions:
Inborn genetic diseases. Identifiers: MedGen C0950123, MeSH D030342.

Allele frequency attached by ClinVar (database versions not stated): gnomAD exomes 0.00001.
gnomAD v4.1: 12 of 1,613,540 alleles (0.00074%); highest among the groups gnomAD compares: Non-Finnish European, 0.00093%; no homozygotes.

Submissions (3):

Ambry Genetics
Classification: Uncertain significance for Inborn genetic diseases. Last evaluated: 2024-08-27. Review status: criteria provided, single submitter. Criteria: Ambry Variant Classification Scheme 2023. Collection method: clinical testing. Allele origin: germline.

Revvity Omics, Revvity
Classification: Uncertain significance. Last evaluated: 2023-04-05. Review status: criteria provided, single submitter. Criteria: ACMG Guidelines, 2015. Collection method: clinical testing. Allele origin: germline.

Labcorp Genetics (formerly Invitae), Labcorp
Classification: Uncertain significance. Last evaluated: 2021-05-08. Review status: criteria provided, single submitter. Criteria: Invitae Variant Classification Sherloc (09022015). Collection method: clinical testing. Allele origin: germline.
Comment: This variant has not been reported in the literature in individuals with COL11A1-related conditions. This variant is not present in population databases (ExAC no frequency). This sequence change replaces methionine with valine at codon 534 of the COL11A1 protein (p.Met534Val). The methionine residue is highly conserved and there is a small physicochemical difference between methionine and valine. Advanced modeling of protein sequence and biophysical properties (such as structural, functional, and spatial information, amino acid conservation, physicochemical variation, residue mobility, and thermodynamic stability) performed at Invitae indicates that this missense variant is not expected to disrupt COL11A1 protein function. In summary, the available evidence is currently insufficient to determine the role of this variant in disease. Therefore, it has been classified as a Variant of Uncertain Significance. Algorithms developed to predict the effect of sequence changes on RNA splicing suggest that this variant may create or strengthen a splice site, but this prediction has not been confirmed by published transcriptional studies.

NM_001854.4(COL11A1):c.1600A>G (p.Met534Val)

Gene: COL11A1 (collagen type XI alpha 1 chain; minus strand). Cytogenetic location: 1p21.1.
Variant type: single nucleotide variant.
Coding change: c.1600A>G on transcript NM_001854.4 (MANE Select); coding-DNA position 1600, A replaced by G.
Protein change: p.Met534Val; replaces methionine 534 with valine.
Molecular consequence: missense variant. On other transcripts: non-coding transcript variant (1).
Genome position (GRCh38, 1-based): chr1:103,012,442, T>C on the plus strand (A>G on the coding strand, the complement: COL11A1 is on the minus strand). VCF-style: chr1-103012442-T-C. GRCh37 (hg19) VCF-style: chr1-103477998-T-C.
Other names: c.1600A>G (NM_001854.3); c.1483A>G, p.Met495Val (NM_001190709.2); c.1636A>G, p.Met546Val (NM_080629.3); c.1252A>G, p.Met418Val (NM_080630.4); short protein forms M418V, M534V, M546V, M495V.
Identifiers: ClinVar variation 1521642 (VCV001521642.11), dbSNP rs1374892742, ClinGen allele CA341177322.